The following is an entry in ClinVar:

NM_001077365.2(POMT1):c.260dup (p.Leu87fs)

Gene: POMT1 (protein O-mannosyltransferase 1; plus strand). Cytogenetic location: 9q34.13.
Variant type: Duplication.
Coding change: c.260dup on transcript NM_001077365.2 (MANE Select); coding-DNA position 260, one base duplicated (T; older notation c.260dupT).
Protein change: p.Leu87fs; shifts the reading frame from leucine 87.
Molecular consequence: frameshift variant. On other transcripts: 5 prime UTR variant (5), non-coding transcript variant (10), intron variant (3).
Genome position (GRCh38, 1-based): chr9:131,506,433, T duplicated; the last of 6 consecutive T bases (chr9:131,506,428-131,506,433); duplicating any one gives the same sequence. VCF-style (leftmost placement, unchanged base first): chr9-131506427-A-AT. GRCh37 (hg19) VCF-style: chr9-134381814-A-AT.
Other names: c.98dup, p.Leu33fs (NM_001353198.2, NM_001374689.1, NM_001374693.1 and 3 more transcripts); c.-92dup (NM_001353199.2, NM_001136114.2, NM_001353195.2); c.-50dup (NM_001353200.2); c.260dup, p.Leu87fs (NM_001374690.1, NM_007171.4, NM_001136113.2 and 1 more transcripts); c.-730dup (NM_001411024.1); c.-71-935dup (NM_001374691.1, NM_001374692.1); c.-30+2093dup (NM_001374695.1); c.153dup, p.Val52fs (NM_001353196.2); short protein forms L87fs, V52fs, L33fs.
Identifiers: ClinVar variation 2947919 (VCV002947919.3), dbSNP rs1945826884, ClinGen allele CA1139532752.

ClinVar aggregate classification (germline): Pathogenic (1 of 4 stars; one submission).

Conditions:
Walker-Warburg congenital muscular dystrophy. Also called: Muscular dystrophy-dystroglycanopathy, type A; Walker-Warburg syndrome. Identifiers: Orphanet 899, MedGen C0265221, MONDO:0000171.
Muscular dystrophy-dystroglycanopathy (congenital with impaired intellectual development), type B, 1. Also called: MUSCULAR DYSTROPHY, CONGENITAL, POMT1-RELATED; Muscular dystrophy-dystroglycanopathy (congenital with intellectual disability), type B1. Identifiers: MedGen C5436962, MONDO:0013159, OMIM 613155.
Autosomal recessive limb-girdle muscular dystrophy type 2K. Also called: MUSCULAR DYSTROPHY-DYSTROGLYCANOPATHY (LIMB-GIRDLE), TYPE C, 1; MUSCULAR DYSTROPHY, LIMB-GIRDLE, TYPE 2K. Identifiers: Orphanet 86812, MedGen C1836373, MONDO:0012248, OMIM 609308.

Submission:

Labcorp Genetics (formerly Invitae), Labcorp
Classification: Pathogenic for Muscular dystrophy-dystroglycanopathy (congenital with impaired intellectual development), type B, 1; Walker-Warburg congenital muscular dystrophy; Autosomal recessive limb-girdle muscular dystrophy type 2K. Last evaluated: 2023-03-01. Review status: criteria provided, single submitter. Criteria: Invitae Variant Classification Sherloc (09022015). Collection method: clinical testing. Allele origin: germline.
Comment: For these reasons, this variant has been classified as Pathogenic. This premature translational stop signal has been observed in individual(s) with clinical features of POMT1-related conditions (PMID: 28403181). This variant is not present in population databases (gnomAD no frequency). This sequence change creates a premature translational stop signal (p.Leu87Phefs*11) in the POMT1 gene. It is expected to result in an absent or disrupted protein product. Loss-of-function variants in POMT1 are known to be pathogenic (PMID: 12369018, 15637732, 16575835).

Literature cited by the submitters: PubMed 28403181; PubMed 12369018; PubMed 15637732; PubMed 16575835.